The following is an entry in ClinVar:

ClinVar aggregate classification (germline): Uncertain significance. Review status: criteria provided, multiple submitters, no conflicts (2 of 4 stars). 2 submissions from 2 submitters: Uncertain significance (2). Last evaluated 2026-08-04.

Conditions:
Kabuki syndrome. Also called: Kabuki make-up syndrome; NIIKAWA-KUROKI SYNDROME. Identifiers: Orphanet 2322, MedGen C0796004, MONDO:0016512.
Inborn genetic diseases. Identifiers: MedGen C0950123, MeSH D030342.

Submissions (2):

Ambry Genetics
Classification: Uncertain significance for Inborn genetic diseases. Last evaluated: 2026-08-04. Review status: criteria provided, single submitter. Criteria: Ambry Variant Classification Scheme 2023. Collection method: clinical testing. Allele origin: germline.

Labcorp Genetics (formerly Invitae), Labcorp
Classification: Uncertain significance for Kabuki syndrome. Last evaluated: 2023-05-02. Review status: criteria provided, single submitter. Criteria: Invitae Variant Classification Sherloc (09022015). Collection method: clinical testing. Allele origin: germline.
Comment: This sequence change replaces histidine, which is basic and polar, with arginine, which is basic and polar, at codon 5459 of the KMT2D protein (p.His5459Arg). In summary, the available evidence is currently insufficient to determine the role of this variant in disease. Therefore, it has been classified as a Variant of Uncertain Significance. Advanced modeling of protein sequence and biophysical properties (such as structural, functional, and spatial information, amino acid conservation, physicochemical variation, residue mobility, and thermodynamic stability) performed at Invitae indicates that this missense variant is not expected to disrupt KMT2D protein function. This variant has not been reported in the literature in individuals affected with KMT2D-related conditions. This variant is not present in population databases (gnomAD no frequency).

NM_003482.4(KMT2D):c.16376A>G (p.His5459Arg)

Gene: KMT2D (lysine methyltransferase 2D; minus strand). Cytogenetic location: 12q13.12.
Variant type: single nucleotide variant.
Coding change: c.16376A>G on transcript NM_003482.4 (MANE Select); coding-DNA position 16376, A replaced by G.
Protein change: p.His5459Arg; replaces histidine 5459 with arginine.
Molecular consequence: missense variant.
Genome position (GRCh38, 1-based): chr12:49,022,316, T>C on the plus strand (A>G on the coding strand, the complement: KMT2D is on the minus strand). VCF-style: chr12-49022316-T-C. GRCh37 (hg19) VCF-style: chr12-49416099-T-C.
Other names: short protein forms H5459R.
Identifiers: ClinVar variation 2856000 (VCV002856000.4), dbSNP rs2137705017, ClinGen allele CA384676927.